The following is an entry in ClinVar:

NM_004999.4(MYO6):c.1498G>A (p.Gly500Ser)

Gene: MYO6 (myosin VI; plus strand). Cytogenetic location: 6q14.1.
Variant type: single nucleotide variant.
Coding change: c.1498G>A on transcript NM_004999.4 (MANE Select); coding-DNA position 1498, G replaced by A.
Protein change: p.Gly500Ser; replaces glycine 500 with serine.
Molecular consequence: missense variant. On other transcripts: non-coding transcript variant (1).
Genome position (GRCh38, 1-based): chr6:75,861,047, G>A. VCF-style: chr6-75861047-G-A. GRCh37 (hg19) VCF-style: chr6-76570764-G-A.
Other names: c.1498G>A, p.Gly500Ser (NM_001300899.2, NM_001368136.1, NM_001368137.1 and 2 more transcripts); c.1483G>A, p.Gly495Ser (NM_001368138.1); short protein forms G495S, G500S.
Identifiers: ClinVar variation 4743877 (VCV004743877.1).

ClinVar aggregate classification (germline): Uncertain significance (1 of 4 stars; one submission).

Submission:

Labcorp Genetics (formerly Invitae), Labcorp
Classification: Uncertain significance. Last evaluated: 2025-11-19. Review status: criteria provided, single submitter. Criteria: Invitae Variant Classification Sherloc (09022015). Collection method: clinical testing. Allele origin: germline.
Comment: This sequence change replaces glycine, which is neutral and non-polar, with serine, which is neutral and polar, at codon 500 of the MYO6 protein (p.Gly500Ser). This variant is not present in population databases (gnomAD no frequency). This variant has not been reported in the literature in individuals affected with MYO6-related conditions. Invitae Evidence Modeling of protein sequence and biophysical properties (such as structural, functional, and spatial information, amino acid conservation, physicochemical variation, residue mobility, and thermodynamic stability) indicates that this missense variant is not expected to disrupt MYO6 protein function with a negative predictive value of 80%. In summary, the available evidence is currently insufficient to determine the role of this variant in disease. Therefore, it has been classified as a Variant of Uncertain Significance.